The following is an entry in ClinVar:

ClinVar aggregate classification (germline): Benign/Likely benign. Review status: criteria provided, multiple submitters, no conflicts (2 of 4 stars). 13 submissions from 13 submitters: Benign (5); Likely benign (5). 3 of the submissions do not count toward it. Last evaluated 2026-01-28.

Conditions:
SCN1B-related disorder. Also called: SCN1B-Related Disorders; SCN1B-related condition.
Generalized epilepsy with febrile seizures plus, type 1 (GEFSP1). Also called: GEFS+, TYPE 1. Identifiers: Orphanet 36387, MedGen C1858672, MONDO:0011416, OMIM 604233.
Developmental and epileptic encephalopathy, 52 (DEE52). Also called: Epileptic encephalopathy, early infantile, 52. Identifiers: MedGen C4479236, MONDO:0033361, OMIM 617350.
Brugada syndrome 5 (BRGDA5). Identifiers: Orphanet 130, Orphanet 871, MedGen C2748541, MONDO:0013015, OMIM 612838.
Atrial fibrillation, familial, 13 (ATFB13). Identifiers: MedGen C3809311, MONDO:0014155, OMIM 615377.
Cardiovascular phenotype. Identifiers: MedGen CN230736.

Allele frequency attached by ClinVar (database versions not stated): gnomAD exomes 0.00024 and 0.00055; ExAC 0.00070; gnomAD 0.00212 and 0.00232; TOPMed 0.00247; 1000 Genomes Project 0.00280; ESP Exome Variant Server 0.00292; 1000 Genomes Project 30x 0.00328.
gnomAD v4.1: 678 of 1,614,046 alleles (0.042%); highest among the groups gnomAD compares: African/African-American, 0.83%; 2 homozygotes.

Submissions (13):

Labcorp Genetics (formerly Invitae), Labcorp
Classification: Benign for Brugada syndrome 5. Last evaluated: 2026-01-28. Review status: criteria provided, single submitter. Criteria: Invitae Variant Classification Sherloc (09022015). Collection method: clinical testing. Allele origin: germline.

CeGaT Center for Human Genetics Tuebingen
Classification: Likely benign. Last evaluated: 2025-05-01. Review status: criteria provided, single submitter. Criteria: CeGaT Center For Human Genetics Tuebingen Variant Classification Criteria Version 2. Collection method: clinical testing. Allele origin: germline. Affected: yes. Observed: 3 variant alleles.
Comment: SCN1B: BP4, BP7

Blueprint Genetics
Classification: Likely benign. Last evaluated: 2024-08-06. Review status: criteria provided, single submitter. Criteria: ACMG Guidelines, 2015. Collection method: clinical testing. Allele origin: germline.

ARUP Laboratories, Molecular Genetics and Genomics, ARUP Laboratories
Classification: Likely benign. Last evaluated: 2022-06-30. Review status: criteria provided, single submitter. Criteria: ARUP Molecular Germline Variant Investigation Process 2021. Collection method: clinical testing. Allele origin: germline.

Fulgent Genetics
Classification: Likely benign for Generalized epilepsy with febrile seizures plus, type 1; Brugada syndrome 5; Atrial fibrillation, familial, 13; Developmental and epileptic encephalopathy, 52. Last evaluated: 2022-01-12. Review status: criteria provided, single submitter. Criteria: ACMG Guidelines, 2015. Collection method: clinical testing. Allele origin: unknown.

Athena Diagnostics
Classification: Benign. Last evaluated: 2017-02-02. Review status: criteria provided, single submitter. Criteria: Athena Diagnostics Criteria. Collection method: clinical testing. Allele origin: germline.

Ambry Genetics
Classification: Likely benign for Cardiovascular phenotype. Last evaluated: 2016-06-14. Review status: criteria provided, single submitter. Criteria: Ambry Variant Classification Scheme 2023. Collection method: clinical testing. Allele origin: germline.

Women's Health and Genetics/Laboratory Corporation of America, LabCorp
Classification: Benign. Last evaluated: 2016-05-16. Review status: criteria provided, single submitter. Criteria: LabCorp Variant Classification Summary - May 2015. Collection method: clinical testing. Allele origin: germline.
Comment: Variant summary: The SCN1B c.267C>T (p.Arg89=) variant involves the alteration of a non-conserved nucleotide, resulting in a synonymous change. 4/5 programs in Alamut predict that this variant does not affect normal splicing, however no functional studies supporting this notion were published at the time of evaluation. This variant was found in 85/121400 control chromosomes at a frequency of 0.0007002, which is approximately 70 times of the estimated maximal allele frequency of a pathogenic SCN1B variant (0.00001), suggesting this variant is a benign polymorphism. The variant was found to co-occure with a pathogenic variant, c.573_577delGCGCT in KCNH2, further suggesting non-pathogenic nature of the variant of interest. In addition, several clinical diagnostic laboratories/reputable databases classified this variant as benign. Taken together, this variant is classified as Benign.

Eurofins Ntd Llc (ga)
Classification: Benign. Last evaluated: 2014-09-01. Review status: criteria provided, single submitter. Criteria: EGL Classification Definitions 2015. Collection method: clinical testing. Allele origin: germline. Observed: 1 variant allele, 1 heterozygote.

GeneDx
Classification: Benign. Last evaluated: 2012-12-31. Review status: criteria provided, single submitter. Criteria: GeneDx Variant Classification (06012015). Collection method: clinical testing. Allele origin: germline. Affected: yes.
Comment: This variant is considered likely benign or benign based on one or more of the following criteria: it is a conservative change, it occurs at a poorly conserved position in the protein, it is predicted to be benign by multiple in silico algorithms, and/or has population frequency not consistent with disease.

PreventionGenetics, part of Exact Sciences
Classification: Benign for SCN1B-related condition. Last evaluated: 2019-07-16. Review status: no assertion criteria provided. Collection method: clinical testing. Allele origin: germline. Not counted in ClinVar's aggregate classification.
Comment: This variant is classified as benign based on ACMG/AMP sequence variant interpretation guidelines (Richards et al. 2015 PMID: 25741868, with internal and published modifications).

Clinical Genetics, Academic Medical Center
Classification: Benign. Review status: no assertion criteria provided. Collection method: clinical testing. Allele origin: germline. Affected: yes. Study: VKGL Data-share Consensus. Not counted in ClinVar's aggregate classification.

Genome Diagnostics Laboratory, University Medical Center Utrecht
Classification: Likely benign. Review status: no assertion criteria provided. Collection method: clinical testing. Allele origin: germline. Affected: yes. Study: VKGL Data-share Consensus. Not counted in ClinVar's aggregate classification.

NM_001037.5(SCN1B):c.267C>T (p.Arg89=)

Gene: SCN1B (sodium voltage-gated channel beta subunit 1; plus strand). Cytogenetic location: 19q13.11.
Variant type: single nucleotide variant.
Coding change: c.267C>T on transcript NM_001037.5 (MANE Select); coding-DNA position 267, C replaced by T.
Protein change: p.Arg89=; no amino-acid change (arginine 89 retained).
Molecular consequence: synonymous variant.
Genome position (GRCh38, 1-based): chr19:35,033,558, C>T. VCF-style: chr19-35033558-C-T. GRCh37 (hg19) VCF-style: chr19-35524462-C-T.
Other names: p.R89R:CGC>CGT; c.168C>T, p.Arg56= (NM_001321605.2); c.267C>T, p.Arg89= (NM_199037.5).
Identifiers: ClinVar variation 138992 (VCV000138992.59), dbSNP rs140949982, ClinGen allele CA293207.